The following is an entry in ClinVar:

NM_018668.5(VPS33B):c.1501T>C (p.Tyr501His)

Gene: VPS33B (VPS33B late endosome and lysosome associated; minus strand). Cytogenetic location: 15q26.1.
Variant type: single nucleotide variant.
Coding change: c.1501T>C on transcript NM_018668.5 (MANE Select); coding-DNA position 1501, T replaced by C.
Protein change: p.Tyr501His; replaces tyrosine 501 with histidine.
Molecular consequence: missense variant.
Genome position (GRCh38, 1-based): chr15:91,000,570, A>G on the plus strand (T>C on the coding strand, the complement: VPS33B is on the minus strand). VCF-style: chr15-91000570-A-G. GRCh37 (hg19) VCF-style: chr15-91543800-A-G.
Other names: c.1501T>C (NM_018668.4); c.1420T>C, p.Tyr474His (NM_001289148.1); c.1228T>C, p.Tyr410His (NM_001289149.1); short protein forms Y410H, Y501H, Y474H.
Identifiers: ClinVar variation 886528 (VCV000886528.8), dbSNP rs200539802, ClinGen allele CA7744612.

ClinVar aggregate classification (germline): Uncertain significance. Review status: criteria provided, multiple submitters, no conflicts (2 of 4 stars). 4 submissions from 4 submitters: Uncertain significance (3). 1 of the submissions does not count toward it. Last evaluated 2024-02-07.

Conditions:
VPS33B-related disorder. Also called: VPS33B-related condition.
Inborn genetic diseases. Identifiers: MedGen C0950123, MeSH D030342.
Arthrogryposis, renal dysfunction, and cholestasis 1 (ARCS1). Identifiers: Orphanet 2697, MedGen C1859722, MONDO:0008822, OMIM 208085.

Allele frequency attached by ClinVar (database versions not stated): ExAC 0.00004; gnomAD exomes 0.00005 and 0.00011; gnomAD 0.00009 and 0.00011; TOPMed 0.00009.
gnomAD v4.1: 184 of 1,612,934 alleles (0.011%); highest among the groups gnomAD compares: Non-Finnish European, 0.014%; no homozygotes.

Submissions (4):

Labcorp Genetics (formerly Invitae), Labcorp
Classification: Uncertain significance. Last evaluated: 2024-02-07. Review status: criteria provided, single submitter. Criteria: Invitae Variant Classification Sherloc (09022015). Collection method: clinical testing. Allele origin: germline.
Comment: This sequence change replaces tyrosine, which is neutral and polar, with histidine, which is basic and polar, at codon 501 of the VPS33B protein (p.Tyr501His). This variant is present in population databases (rs200539802, gnomAD 0.008%). This variant has not been reported in the literature in individuals affected with VPS33B-related conditions. ClinVar contains an entry for this variant (Variation ID: 886528). An algorithm developed to predict the effect of missense changes on protein structure and function (PolyPhen-2) suggests that this variant is likely to be disruptive. In summary, the available evidence is currently insufficient to determine the role of this variant in disease. Therefore, it has been classified as a Variant of Uncertain Significance.

Ambry Genetics
Classification: Uncertain significance for Inborn genetic diseases. Last evaluated: 2022-09-14. Review status: criteria provided, single submitter. Criteria: Ambry Variant Classification Scheme 2023. Collection method: clinical testing. Allele origin: germline.

Illumina Laboratory Services, Illumina
Classification: Uncertain significance for Arthrogryposis, renal dysfunction, and cholestasis 1. Last evaluated: 2018-01-12. Review status: criteria provided, single submitter. Criteria: ICSL Variant Classification Criteria 13 December 2019. Collection method: clinical testing. Allele origin: germline.

PreventionGenetics, part of Exact Sciences
Classification: Uncertain significance for VPS33B-related condition. Last evaluated: 2024-09-18. Review status: no assertion criteria provided. Collection method: clinical testing. Allele origin: germline. Not counted in ClinVar's aggregate classification.
Comment: The VPS33B c.1501T>C variant is predicted to result in the amino acid substitution p.Tyr501His. To our knowledge, this variant has not been reported in the literature. This variant is reported in 0.0080% of alleles in individuals of African descent in gnomAD. At this time, the clinical significance of this variant is uncertain due to the absence of conclusive functional and genetic evidence.